The following is an entry in ClinVar:

NM_006766.5(KAT6A):c.3728A>G (p.Asp1243Gly)

Gene: KAT6A (lysine acetyltransferase 6A; minus strand). Cytogenetic location: 8p11.21.
Variant type: single nucleotide variant.
Coding change: c.3728A>G on transcript NM_006766.5 (MANE Select); coding-DNA position 3728, A replaced by G.
Protein change: p.Asp1243Gly; replaces aspartic acid 1243 with glycine.
Molecular consequence: missense variant.
Genome position (GRCh38, 1-based): chr8:41,934,492, T>C on the plus strand (A>G on the coding strand, the complement: KAT6A is on the minus strand). VCF-style: chr8-41934492-T-C. GRCh37 (hg19) VCF-style: chr8-41792010-T-C.
Other names: short protein forms D1243G.
Identifiers: ClinVar variation 1938138 (VCV001938138.6), dbSNP rs2486757621, ClinGen allele CA371068508.

ClinVar aggregate classification (germline): Uncertain significance. Review status: criteria provided, multiple submitters, no conflicts (2 of 4 stars). 2 submissions from 2 submitters: Uncertain significance (2). Last evaluated 2024-10-24.

gnomAD v4.1: 1 of 1,611,880 alleles (0.000062%); highest among the groups gnomAD compares: Non-Finnish European, 0.000085%; no homozygotes.

Submissions (2):

Blueprint Genetics
Classification: Uncertain significance. Last evaluated: 2024-10-24. Review status: criteria provided, single submitter. Criteria: ACMG Guidelines, 2015. Collection method: clinical testing. Allele origin: germline.

Labcorp Genetics (formerly Invitae), Labcorp
Classification: Uncertain significance. Last evaluated: 2023-12-18. Review status: criteria provided, single submitter. Criteria: Invitae Variant Classification Sherloc (09022015). Collection method: clinical testing. Allele origin: germline.
Comment: This sequence change replaces aspartic acid, which is acidic and polar, with glycine, which is neutral and non-polar, at codon 1243 of the KAT6A protein (p.Asp1243Gly). This variant is not present in population databases (gnomAD no frequency). This variant has not been reported in the literature in individuals affected with KAT6A-related conditions. ClinVar contains an entry for this variant (Variation ID: 1938138). Advanced modeling of protein sequence and biophysical properties (such as structural, functional, and spatial information, amino acid conservation, physicochemical variation, residue mobility, and thermodynamic stability) performed at Invitae indicates that this missense variant is not expected to disrupt KAT6A protein function with a negative predictive value of 80%. In summary, the available evidence is currently insufficient to determine the role of this variant in disease. Therefore, it has been classified as a Variant of Uncertain Significance.